The following is an entry in ClinVar:

ClinVar aggregate classification (germline): Conflicting classifications of pathogenicity. Review status: criteria provided, conflicting classifications (1 of 4 stars). 2 submissions from 2 submitters: Pathogenic (1); Uncertain significance (1). Last evaluated 2024-02-07.

Conditions:
HCN2 related developmental and epileptic encephalopathy.

Submissions (2):

Department of Genetics, CHU d'Angers
Classification: Pathogenic for HCN2 related developmental and epileptic encephalopathy. Last evaluated: 2024-02-07. Review status: criteria provided, single submitter. Criteria: ACMG Guidelines, 2015. Collection method: research. Allele origin: biparental. Affected: yes.

Labcorp Genetics (formerly Invitae), Labcorp
Classification: Uncertain significance. Last evaluated: 2020-08-20. Review status: criteria provided, single submitter. Criteria: Invitae Variant Classification Sherloc (09022015). Collection method: clinical testing. Allele origin: germline.
Comment: In summary, the available evidence is currently insufficient to determine the role of this variant in disease. Therefore, it has been classified as a Variant of Uncertain Significance. Algorithms developed to predict the effect of missense changes on protein structure and function (SIFT, PolyPhen-2, Align-GVGD) all suggest that this variant is likely to be disruptive, but these predictions have not been confirmed by published functional studies and their clinical significance is uncertain. This variant has not been reported in the literature in individuals with HCN2-related conditions. ClinVar contains an entry for this variant (Variation ID: 935120). This variant is not present in population databases (ExAC no frequency). This sequence change replaces leucine with histidine at codon 377 of the HCN2 protein (p.Leu377His). The leucine residue is highly conserved and there is a moderate physicochemical difference between leucine and histidine.

NM_001194.4(HCN2):c.1130T>A (p.Leu377His)

Gene: HCN2 (hyperpolarization activated cyclic nucleotide gated potassium and sodium channel 2; plus strand). Cytogenetic location: 19p13.3.
Variant type: single nucleotide variant.
Coding change: c.1130T>A on transcript NM_001194.4 (MANE Select); coding-DNA position 1130, T replaced by A.
Protein change: p.Leu377His; replaces leucine 377 with histidine.
Molecular consequence: missense variant.
Genome position (GRCh38, 1-based): chr19:605,134, T>A. VCF-style: chr19-605134-T-A. GRCh37 (hg19) VCF-style: chr19-605134-T-A.
Other names: short protein forms L377H.
Identifiers: ClinVar variation 935120 (VCV000935120.10), dbSNP rs1983378176, ClinGen allele CA402876283.
Genomic context (GRCh38, chr19:605,134, plus strand): 5'-CCTATGACCTGGCCAGCGCGGTGATGAGGATCTGCAATCTCATCAGCATGATGCTGCTGC[T>A]CTGCCACTGGGACGGCTGCCTGCAGTTCCTGGTGCCTATGCTGCAGGACTTCCCGCGCAA-3'
Protein context (NP_001185.3, residues 367-387): ICNLISMMLL[Leu377His]CHWDGCLQFL